The following is an entry in ClinVar:

NM_003803.4(MYOM1):c.1065G>C (p.Met355Ile)

Gene: MYOM1 (myomesin 1; minus strand). Cytogenetic location: 18p11.31.
Variant type: single nucleotide variant.
Coding change: c.1065G>C on transcript NM_003803.4 (MANE Select); coding-DNA position 1065, G replaced by C.
Protein change: p.Met355Ile; replaces methionine 355 with isoleucine.
Molecular consequence: missense variant.
Genome position (GRCh38, 1-based): chr18:3,174,166, C>G on the plus strand (G>C on the coding strand, the complement: MYOM1 is on the minus strand). VCF-style: chr18-3174166-C-G. GRCh37 (hg19) VCF-style: chr18-3174164-C-G.
Other names: c.1065G>C, p.Met355Ile (NM_019856.2); short protein forms M355I.
Identifiers: ClinVar variation 2905297 (VCV002905297.4), dbSNP rs575938219, ClinGen allele CA295509510.

ClinVar aggregate classification (germline): Uncertain significance. Review status: criteria provided, multiple submitters, no conflicts (2 of 4 stars). 2 submissions from 2 submitters: Uncertain significance (2). Last evaluated 2024-10-30.

Conditions:
Hypertrophic cardiomyopathy. Also called: HYPERTROPHIC MYOCARDIOPATHY. Identifiers: Orphanet 217569, MedGen C0007194, MeSH D002312, MONDO:0005045, HP:0001639.

Allele frequency attached by ClinVar (database versions not stated): gnomAD exomes below 0.00001; TOPMed below 0.00001; gnomAD 0.00001; 1000 Genomes Project 30x 0.00016; 1000 Genomes Project 0.00020.
gnomAD v4.1: 4 of 1,614,032 alleles (0.00025%); highest among the groups gnomAD compares: East Asian, 0.0089%; no homozygotes.

Submissions (2):

Labcorp Genetics (formerly Invitae), Labcorp
Classification: Uncertain significance for Hypertrophic cardiomyopathy. Last evaluated: 2024-10-30. Review status: criteria provided, single submitter. Criteria: Invitae Variant Classification Sherloc (09022015). Collection method: clinical testing. Allele origin: germline.
Comment: This sequence change replaces methionine, which is neutral and non-polar, with isoleucine, which is neutral and non-polar, at codon 355 of the MYOM1 protein (p.Met355Ile). This variant is present in population databases (rs575938219, gnomAD 0.006%). This variant has not been reported in the literature in individuals affected with MYOM1-related conditions. ClinVar contains an entry for this variant (Variation ID: 2905297). Invitae Evidence Modeling of protein sequence and biophysical properties (such as structural, functional, and spatial information, amino acid conservation, physicochemical variation, residue mobility, and thermodynamic stability) has been performed for this missense variant. However, the output from this modeling did not meet the statistical confidence thresholds required to predict the impact of this variant on MYOM1 protein function. In summary, the available evidence is currently insufficient to determine the role of this variant in disease. Therefore, it has been classified as a Variant of Uncertain Significance.

Ambry Genetics
Classification: Uncertain significance. Last evaluated: 2024-02-25. Review status: criteria provided, single submitter. Criteria: Ambry Variant Classification Scheme 2023. Collection method: clinical testing. Allele origin: germline.
Comment: The p.M355I variant (also known as c.1065G>C), located in coding exon 6 of the MYOM1 gene, results from a G to C substitution at nucleotide position 1065. The methionine at codon 355 is replaced by isoleucine, an amino acid with highly similar properties. This amino acid position is conserved. In addition, the in silico prediction for this alteration is inconclusive. Based on the available evidence, the clinical significance of this alteration remains unclear.